The following is an entry in ClinVar:

NM_014049.5(ACAD9):c.1267C>T (p.Leu423Phe)

Gene: ACAD9 (acyl-CoA dehydrogenase family member 9; plus strand). Cytogenetic location: 3q21.3.
Variant type: single nucleotide variant.
Coding change: c.1267C>T on transcript NM_014049.5 (MANE Select); coding-DNA position 1267, C replaced by T.
Protein change: p.Leu423Phe; replaces leucine 423 with phenylalanine.
Molecular consequence: missense variant. On other transcripts: non-coding transcript variant (1).
Genome position (GRCh38, 1-based): chr3:128,906,238, C>T. VCF-style: chr3-128906238-C-T. GRCh37 (hg19) VCF-style: chr3-128625081-C-T.
Other names: c.898C>T, p.Leu300Phe (NM_001410805.1); short protein forms L300F, L423F.
Identifiers: ClinVar variation 1979040 (VCV001979040.1), dbSNP rs772221173, ClinGen allele CA2601449.

ClinVar aggregate classification (germline): Uncertain significance (1 of 4 stars; one submission).

Allele frequency attached by ClinVar (database versions not stated): gnomAD exomes below 0.00001; ExAC 0.00002.

Submission:

Labcorp Genetics (formerly Invitae), Labcorp
Classification: Uncertain significance. Last evaluated: 2022-03-11. Review status: criteria provided, single submitter. Criteria: Invitae Variant Classification Sherloc (09022015). Collection method: clinical testing. Allele origin: germline.
Comment: This sequence change replaces leucine, which is neutral and non-polar, with phenylalanine, which is neutral and non-polar, at codon 423 of the ACAD9 protein (p.Leu423Phe). This variant is present in population databases (rs772221173, gnomAD 0.002%). This variant has not been reported in the literature in individuals affected with ACAD9-related conditions. Algorithms developed to predict the effect of missense changes on protein structure and function are either unavailable or do not agree on the potential impact of this missense change (SIFT: "Tolerated"; PolyPhen-2: "Possibly Damaging"; Align-GVGD: "Class C0"). In summary, the available evidence is currently insufficient to determine the role of this variant in disease. Therefore, it has been classified as a Variant of Uncertain Significance.